The following is an entry in ClinVar:

NM_004525.3(LRP2):c.7096C>T (p.Pro2366Ser)

Gene: LRP2 (LDL receptor related protein 2; minus strand). Cytogenetic location: 2q31.1.
Variant type: single nucleotide variant.
Coding change: c.7096C>T on transcript NM_004525.3 (MANE Select); coding-DNA position 7096, C replaced by T.
Protein change: p.Pro2366Ser; replaces proline 2366 with serine.
Molecular consequence: missense variant.
Genome position (GRCh38, 1-based): chr2:169,206,624, G>A on the plus strand (C>T on the coding strand, the complement: LRP2 is on the minus strand). VCF-style: chr2-169206624-G-A. GRCh37 (hg19) VCF-style: chr2-170063134-G-A.
Other names: short protein forms P2366S.
Identifiers: ClinVar variation 3868192 (VCV003868192.2).

ClinVar aggregate classification (germline): Uncertain significance. Review status: criteria provided, multiple submitters, no conflicts (2 of 4 stars). 2 submissions from 2 submitters: Uncertain significance (2). Last evaluated 2025-09-05.

Conditions:
Donnai-Barrow syndrome. Also called: DBS/FOAR SYNDROME; FACIOOCULOACOUSTICORENAL SYNDROME. Identifiers: Orphanet 2143, MedGen C1857277, MONDO:0009104, OMIM 222448.
Inborn genetic diseases. Identifiers: MedGen C0950123, MeSH D030342.

gnomAD v4.1: 4 of 1,614,104 alleles (0.00025%); highest among the groups gnomAD compares: African/African-American, 0.0053%; no homozygotes.

Submissions (2):

Clinical Genomics Laboratory, Washington University in St. Louis
Classification: Uncertain significance for Donnai-Barrow syndrome. Last evaluated: 2025-09-05. Review status: criteria provided, single submitter. Criteria: ACMG Guidelines, 2015. Collection method: clinical testing. Allele origin: germline.
Comment: The LRP2 c.7096C>T (p.Pro2366Ser) variant, to our knowledge, has not been reported in the medical literature. This variant has been reported in the ClinVar database as a germline variant of uncertain significance by one submitter. This variant is only observed in 2/251,196 alleles in the general population (gnomAD v.2.1.1), indicating it is not a common variant. Computational predictors are uncertain as to the impact of this variant on LRP2 function. Due to limited information, and based on ACMG/AMP guidelines for variant interpretation (Richards S et al., PMID: 25741868), the clinical significance of this variant is uncertain at this time.

Ambry Genetics
Classification: Uncertain significance for Inborn genetic diseases. Last evaluated: 2025-01-28. Review status: criteria provided, single submitter. Criteria: Ambry Variant Classification Scheme 2023. Collection method: clinical testing. Allele origin: germline.